The following is an entry in ClinVar:

NM_004360.5(CDH1):c.2222T>A (p.Leu741Ter)

Gene: CDH1 (cadherin 1; plus strand). Cytogenetic location: 16q22.1.
Variant type: single nucleotide variant.
Coding change: c.2222T>A on transcript NM_004360.5 (MANE Select); coding-DNA position 2222, T replaced by A.
Protein change: p.Leu741Ter; replaces leucine 741 with a stop codon.
Molecular consequence: nonsense.
Genome position (GRCh38, 1-based): chr16:68,828,231, T>A. VCF-style: chr16-68828231-T-A. GRCh37 (hg19) VCF-style: chr16-68862134-T-A.
Other names: c.2039T>A, p.Leu680Ter (NM_001317184.2); c.674T>A, p.Leu225Ter (NM_001317185.2); c.257T>A, p.Leu86Ter (NM_001317186.2); short protein forms L741*, L680*, L225*, L86*.
Identifiers: ClinVar variation 1432395 (VCV001432395.6), dbSNP rs2152141461, ClinGen allele CA396469662.

ClinVar aggregate classification (germline): Pathogenic (1 of 4 stars; one submission).

Conditions:
Hereditary diffuse gastric adenocarcinoma (HDGC). Also called: DIFFUSE GASTRIC AND LOBULAR BREAST CANCER SYNDROME. Identifiers: Orphanet 26106, MedGen C1708349, MONDO:0007648, OMIM 137215.

Submission:

Labcorp Genetics (formerly Invitae), Labcorp
Classification: Pathogenic for Hereditary diffuse gastric adenocarcinoma. Last evaluated: 2020-11-17. Review status: criteria provided, single submitter. Criteria: Invitae Variant Classification Sherloc (09022015). Collection method: clinical testing. Allele origin: germline.
Comment: For these reasons, this variant has been classified as Pathogenic. This variant has not been reported in the literature in individuals with CDH1-related conditions. This variant is not present in population databases (ExAC no frequency). This sequence change creates a premature translational stop signal (p.Leu741*) in the CDH1 gene. It is expected to result in an absent or disrupted protein product. Loss-of-function variants in CDH1 are known to be pathogenic (PMID: 15235021, 20373070).

Literature cited by the submitters: PubMed 15235021; PubMed 20373070.